The following is an entry in ClinVar:

ClinVar aggregate classification (germline): Uncertain significance (1 of 4 stars; one submission).

Conditions:
Nemaline myopathy 2 (NEM2). Also called: Nemaline myopathy 2, autosomal recessive. Identifiers: MedGen C1850569, MONDO:0009725, OMIM 256030.

Allele frequency attached by ClinVar (database versions not stated): gnomAD exomes below 0.00001; TOPMed 0.00001.
gnomAD v4.1: 7 of 1,614,004 alleles (0.00043%); highest among the groups gnomAD compares: African/African-American, 0.0027%; no homozygotes.

Submission:

Labcorp Genetics (formerly Invitae), Labcorp
Classification: Uncertain significance for Nemaline myopathy 2. Last evaluated: 2021-08-31. Review status: criteria provided, single submitter. Criteria: Invitae Variant Classification Sherloc (09022015). Collection method: clinical testing. Allele origin: germline.
Comment: This sequence change replaces tyrosine with cysteine at codon 1358 of the NEB protein (p.Tyr1358Cys). The tyrosine residue is moderately conserved and there is a large physicochemical difference between tyrosine and cysteine. This variant is not present in population databases (ExAC no frequency). This variant has not been reported in the literature in individuals affected with NEB-related conditions. Algorithms developed to predict the effect of missense changes on protein structure and function are either unavailable or do not agree on the potential impact of this missense change (SIFT: "Deleterious"; PolyPhen-2: "Not Available"; Align-GVGD: "Class C0"). Algorithms developed to predict the effect of sequence changes on RNA splicing suggest that this variant may create or strengthen a splice site. In summary, the available evidence is currently insufficient to determine the role of this variant in disease. Therefore, it has been classified as a Variant of Uncertain Significance.

NM_001164508.2(NEB):c.4073A>G (p.Tyr1358Cys)

Gene: NEB (nebulin; minus strand). Cytogenetic location: 2q23.3.
Variant type: single nucleotide variant.
Coding change: c.4073A>G on transcript NM_001164508.2 (MANE Select); coding-DNA position 4073, A replaced by G.
Protein change: p.Tyr1358Cys; replaces tyrosine 1358 with cysteine.
Molecular consequence: missense variant.
Genome position (GRCh38, 1-based): chr2:151,672,595, T>C on the plus strand (A>G on the coding strand, the complement: NEB is on the minus strand). VCF-style: chr2-151672595-T-C. GRCh37 (hg19) VCF-style: chr2-152529109-T-C.
Other names: c.4073A>G, p.Tyr1358Cys (NM_001164507.2, NM_001271208.2, NM_004543.5); short protein forms Y1358C.
Identifiers: ClinVar variation 1439256 (VCV001439256.5), dbSNP rs1223706560, ClinGen allele CA348816933.